The following is an entry in ClinVar:

NM_000392.5(ABCC2):c.469-2A>G

Gene: ABCC2 (ATP binding cassette subfamily C member 2; plus strand). Cytogenetic location: 10q24.2.
Variant type: single nucleotide variant.
Coding change: c.469-2A>G on transcript NM_000392.5 (MANE Select); the canonical splice acceptor site of the intron before coding-DNA position 469, A replaced by G.
Molecular consequence: splice acceptor variant.
Genome position (GRCh38, 1-based): chr10:99,793,890, A>G. VCF-style: chr10-99793890-A-G. GRCh37 (hg19) VCF-style: chr10-101553647-A-G.
Identifiers: ClinVar variation 2782109 (VCV002782109.3), dbSNP rs2492843794, ClinGen allele CA378102796.

ClinVar aggregate classification (germline): Likely pathogenic (1 of 4 stars; one submission).

Submission:

Labcorp Genetics (formerly Invitae), Labcorp
Classification: Likely pathogenic. Last evaluated: 2023-04-30. Review status: criteria provided, single submitter. Criteria: Invitae Variant Classification Sherloc (09022015). Collection method: clinical testing. Allele origin: germline.
Comment: This sequence change affects an acceptor splice site in intron 4 of the ABCC2 gene. It is expected to disrupt RNA splicing. Variants that disrupt the donor or acceptor splice site typically lead to a loss of protein function (PMID: 16199547), and loss-of-function variants in ABCC2 are known to be pathogenic (PMID: 9185779, 16549534, 16952291). This variant is not present in population databases (gnomAD no frequency). This variant has not been reported in the literature in individuals affected with ABCC2-related conditions. Algorithms developed to predict the effect of sequence changes on RNA splicing suggest that this variant may disrupt the consensus splice site. In summary, the currently available evidence indicates that the variant is pathogenic, but additional data are needed to prove that conclusively. Therefore, this variant has been classified as Likely Pathogenic.

Literature cited by the submitters: PubMed 16199547; PubMed 9185779; PubMed 16549534; PubMed 16952291.